The following is an entry in ClinVar:

ClinVar aggregate classification (germline): Benign/Likely benign. Review status: criteria provided, multiple submitters, no conflicts (2 of 4 stars). 12 submissions from 9 submitters: Benign (11); Likely benign (1). Last evaluated 2026-02-04.

Conditions:
Atypical hemolytic-uremic syndrome with C3 anomaly. Also called: AHUS, SUSCEPTIBILITY TO, 5. Identifiers: Orphanet 2134, MedGen C2752037, MONDO:0013043, OMIM 612925.
Atypical hemolytic-uremic syndrome. Identifiers: Orphanet 2134, MedGen C2931788, MONDO:0016244.
Complement component 3 deficiency. Identifiers: Orphanet 280133, MedGen C3151071, MONDO:0013417, OMIM 613779.
C3 glomerulonephritis. Also called: C3 GLOMERULOPATHY 3; Nephropathy due to CFHR5 Deficiency. Identifiers: Orphanet 329931, MedGen C4055342, MONDO:0013892, OMIM 614809.
Age related macular degeneration 9. Identifiers: MedGen C1969651, MONDO:0012659, OMIM 611378.

Allele frequency attached by ClinVar (database versions not stated): gnomAD exomes 0.19165 and 0.16947; ExAC 0.19534; 1000 Genomes Project 30x 0.22314; 1000 Genomes Project 0.22784; ESP Exome Variant Server 0.14586; TOPMed 0.15812; gnomAD 0.15982 and 0.16629.
gnomAD v4.1: 273,483 of 1,613,380 alleles (17%); highest among the groups gnomAD compares: East Asian, 43%; 25,448 homozygotes.

Submissions (12):

Labcorp Genetics (formerly Invitae), Labcorp
Classification: Benign. Last evaluated: 2026-02-04. Review status: criteria provided, single submitter. Criteria: Invitae Variant Classification Sherloc (09022015). Collection method: clinical testing. Allele origin: germline.

Women's Health and Genetics/Laboratory Corporation of America, LabCorp
Classification: Benign. Last evaluated: 2026-01-21. Review status: criteria provided, single submitter. Criteria: LabCorp Variant Classification Summary - May 2015. Collection method: clinical testing. Allele origin: germline.

Genomenon, Inc
Classification: Benign for Complement component 3 deficiency; C3 glomerulonephritis; Atypical hemolytic-uremic syndrome. Last evaluated: 2025-09-30. Review status: criteria provided, single submitter. Criteria: Genomenon Sequence Variant Interpretation Standards. Collection method: curation. Allele origin: germline. Affected: no.
Comment: C3 p.Arg304= (c.912G>A) is a synonymous variant that retains Arginine at residue 304. This variant is present at high allele frequency in population databases. In conclusion, we classify C3 p.Arg304= (c.912G>A) as a benign variant.

Blueprint Genetics
Classification: Likely benign. Last evaluated: 2024-11-28. Review status: criteria provided, single submitter. Criteria: ACMG Guidelines, 2015. Collection method: clinical testing. Allele origin: germline.

Mayo Clinic Laboratories, Mayo Clinic
Classification: Benign. Last evaluated: 2022-03-10. Review status: criteria provided, single submitter. Criteria: ACMG Guidelines, 2015. Collection method: clinical testing. Allele origin: germline. Observed: 941 variant alleles.

Genome-Nilou Lab
Classification: Benign for Complement component 3 deficiency. Last evaluated: 2021-07-14. Review status: criteria provided, single submitter. Criteria: ACMG Guidelines, 2015. Collection method: clinical testing. Allele origin: germline. Affected: no.

Genome-Nilou Lab
Classification: Benign for Age related macular degeneration 9. Last evaluated: 2021-07-14. Review status: criteria provided, single submitter. Criteria: ACMG Guidelines, 2015. Collection method: clinical testing. Allele origin: germline. Affected: no.

GeneDx
Classification: Benign. Last evaluated: 2018-11-10. Review status: criteria provided, single submitter. Criteria: GeneDx Variant Classification Process June 2021. Collection method: clinical testing. Allele origin: germline. Affected: yes.

Illumina Laboratory Services, Illumina
Classification: Benign for Complement component 3 deficiency. Last evaluated: 2018-01-12. Review status: criteria provided, single submitter. Criteria: ICSL Variant Classification Criteria 13 December 2019. Collection method: clinical testing. Allele origin: germline.
Comment: This variant was observed in the ICSL laboratory as part of a predisposition screen in an ostensibly healthy population. It had not been previously curated by ICSL or reported in the Human Gene Mutation Database (HGMD: prior to June 1st, 2018), and was therefore a candidate for classification through an automated scoring system. Utilizing variant allele frequency, disease prevalence and penetrance estimates, and inheritance mode, an automated score was calculated to assess if this variant is too frequent to cause the disease. Based on the score and internal cut-off values, a variant classified as benign is not then subjected to further curation. The score for this variant resulted in a classification of benign for this disease.

Illumina Laboratory Services, Illumina
Classification: Benign for Atypical hemolytic-uremic syndrome with C3 anomaly. Last evaluated: 2018-01-12. Review status: criteria provided, single submitter. Criteria: ICSL Variant Classification Criteria 13 December 2019. Collection method: clinical testing. Allele origin: germline.
Comment: the same text as in the submission from Illumina Laboratory Services, Illumina above.

Illumina Laboratory Services, Illumina
Classification: Benign for Age related macular degeneration 9. Last evaluated: 2018-01-12. Review status: criteria provided, single submitter. Criteria: ICSL Variant Classification Criteria 13 December 2019. Collection method: clinical testing. Allele origin: germline.
Comment: the same text as in the submission from Illumina Laboratory Services, Illumina above.

Breakthrough Genomics
Classification: Benign. Review status: criteria provided, single submitter. Criteria: ACMG Guidelines, 2015. Collection method: not provided. Allele origin: germline. Inheritance: Autosomal recessive inheritance. Affected: yes.

NM_000064.4(C3):c.912G>A (p.Arg304=)

Gene: C3 (complement C3; minus strand). Cytogenetic location: 19p13.3.
Variant type: single nucleotide variant.
Coding change: c.912G>A on transcript NM_000064.4 (MANE Select); coding-DNA position 912, G replaced by A.
Protein change: p.Arg304=; no amino-acid change (arginine 304 retained).
Molecular consequence: synonymous variant.
Genome position (GRCh38, 1-based): chr19:6,713,280, C>T on the plus strand (G>A on the coding strand, the complement: C3 is on the minus strand). VCF-style: chr19-6713280-C-T. GRCh37 (hg19) VCF-style: chr19-6713291-C-T.
Other names: p.Arg304=; c.912G>A (LRG_27t1, NM_000064.3).
Identifiers: ClinVar variation 330332 (VCV000330332.23), dbSNP rs2230201, ClinGen allele CA9129620.